The following is an entry in ClinVar:

NM_000245.4(MET):c.354G>A (p.Met118Ile)

Gene: MET (MET proto-oncogene, receptor tyrosine kinase; plus strand). Cytogenetic location: 7q31.2.
Variant type: single nucleotide variant.
Coding change: c.354G>A on transcript NM_000245.4 (MANE Select); coding-DNA position 354, G replaced by A.
Protein change: p.Met118Ile; replaces methionine 118 with isoleucine.
Molecular consequence: missense variant. On other transcripts: intron variant (1).
Genome position (GRCh38, 1-based): chr7:116,699,438, G>A. VCF-style: chr7-116699438-G-A. GRCh37 (hg19) VCF-style: chr7-116339492-G-A.
Other names: c.354G>A, p.Met118Ile (NM_001127500.3, NM_001324401.3); c.-91+26861G>A (NM_001324402.2); short protein forms M118I.
Identifiers: ClinVar variation 569075 (VCV000569075.13), dbSNP rs1562883374, ClinGen allele CA368968894.
Genomic context (GRCh38, chr7:116,699,438, plus strand): 5'-TCAGGACTGCAGCAGCAAAGCCAATTTATCAGGAGGTGTTTGGAAAGATAACATCAACAT[G>A]GCTCTAGTTGTCGACACCTACTATGATGATCAACTCATTAGCTGTGGCAGCGTCAACAGA-3'
Protein context (NP_000236.2, residues 108-128): SGGVWKDNIN[Met118Ile]ALVVDTYYDD

ClinVar aggregate classification (germline): Conflicting classifications of pathogenicity. Review status: criteria provided, conflicting classifications (1 of 4 stars). 2 submissions from 2 submitters: Uncertain significance (1); Likely benign (1). Last evaluated 2025-05-27.

Conditions:
Renal cell carcinoma. Identifiers: Orphanet 217071, MedGen C0007134, MeSH D002292, MONDO:0005086, HP:0005584.
Hereditary cancer-predisposing syndrome. Also called: Neoplastic Syndromes, Hereditary; Tumor predisposition; Hereditary neoplastic syndrome; Hereditary Cancer Syndrome. Identifiers: Orphanet 140162, MedGen C0027672, MeSH D009386, MONDO:0015356.

Submissions (2):

Ambry Genetics
Classification: Likely benign for Hereditary cancer-predisposing syndrome. Last evaluated: 2025-05-27. Review status: criteria provided, single submitter. Criteria: Ambry Variant Classification Scheme 2023. Collection method: clinical testing. Allele origin: germline.

Labcorp Genetics (formerly Invitae), Labcorp
Classification: Uncertain significance for Renal cell carcinoma. Last evaluated: 2024-03-06. Review status: criteria provided, single submitter. Criteria: Invitae Variant Classification Sherloc (09022015). Collection method: clinical testing. Allele origin: germline.
Comment: This sequence change replaces methionine, which is neutral and non-polar, with isoleucine, which is neutral and non-polar, at codon 118 of the MET protein (p.Met118Ile). This variant is not present in population databases (gnomAD no frequency). This variant has not been reported in the literature in individuals affected with MET-related conditions. ClinVar contains an entry for this variant (Variation ID: 569075). Advanced modeling of protein sequence and biophysical properties (such as structural, functional, and spatial information, amino acid conservation, physicochemical variation, residue mobility, and thermodynamic stability) performed at Invitae indicates that this missense variant is not expected to disrupt MET protein function with a negative predictive value of 80%. In summary, the available evidence is currently insufficient to determine the role of this variant in disease. Therefore, it has been classified as a Variant of Uncertain Significance.